The following is an entry in ClinVar:

NM_004304.5(ALK):c.2248A>G (p.Thr750Ala)

Gene: ALK (ALK receptor tyrosine kinase; minus strand). Cytogenetic location: 2p23.2.
Variant type: single nucleotide variant.
Coding change: c.2248A>G on transcript NM_004304.5 (MANE Select); coding-DNA position 2248, A replaced by G.
Protein change: p.Thr750Ala; replaces threonine 750 with alanine.
Molecular consequence: missense variant.
Genome position (GRCh38, 1-based): chr2:29,239,787, T>C on the plus strand (A>G on the coding strand, the complement: ALK is on the minus strand). VCF-style: chr2-29239787-T-C. GRCh37 (hg19) VCF-style: chr2-29462653-T-C.
Other names: short protein forms T750A.
Identifiers: ClinVar variation 2742820 (VCV002742820.3), dbSNP rs2465270216, ClinGen allele CA346474658.

ClinVar aggregate classification (germline): Uncertain significance (1 of 4 stars; one submission).

Conditions:
Neuroblastoma, susceptibility to, 3. Also called: ALK-Related Neuroblastic Tumor Susceptibility. Identifiers: Orphanet 635, MedGen C2751681, MONDO:0013083, OMIM 613014.

Submission:

Labcorp Genetics (formerly Invitae), Labcorp
Classification: Uncertain significance for Neuroblastoma, susceptibility to, 3. Last evaluated: 2025-11-19. Review status: criteria provided, single submitter. Criteria: Invitae Variant Classification Sherloc (09022015). Collection method: clinical testing. Allele origin: germline.
Comment: This sequence change replaces threonine, which is neutral and polar, with alanine, which is neutral and non-polar, at codon 750 of the ALK protein (p.Thr750Ala). This variant is not present in population databases (gnomAD no frequency). This variant has not been reported in the literature in individuals affected with ALK-related conditions. ClinVar contains an entry for this variant (Variation ID: 2742820). An algorithm developed to predict the effect of missense changes on protein structure and function (PolyPhen-2) suggests that this variant is likely to be disruptive. In summary, the available evidence is currently insufficient to determine the role of this variant in disease. Therefore, it has been classified as a Variant of Uncertain Significance.